The following is an entry in ClinVar:

ClinVar aggregate classification (germline): Conflicting classifications of pathogenicity. Review status: criteria provided, conflicting classifications (1 of 4 stars). 2 submissions from 2 submitters: Likely pathogenic (1); Uncertain significance (1). Last evaluated 2024-08-19.

Conditions:
Hereditary spastic paraplegia 2 (SPG2). Also called: SPASTIC PARAPLEGIA 2, X-LINKED; Spastic Paraplegia 2 (SPG2). Identifiers: Orphanet 99015, MedGen C0751604, MONDO:0010733, OMIM 312920.

Submissions (2):

GeneDx
Classification: Likely pathogenic. Last evaluated: 2024-08-19. Review status: criteria provided, single submitter. Criteria: GeneDx Variant Classification Process June 2021. Collection method: clinical testing. Allele origin: germline.
Comment: Not observed at significant frequency in large population cohorts (gnomAD); Missense variants in this gene are a common cause of disease and they are underrepresented in the general population; In silico analysis supports that this missense variant has a deleterious effect on protein structure/function; This variant is associated with the following publications: (PMID: Safian_article_2021)

Labcorp Genetics (formerly Invitae), Labcorp
Classification: Uncertain significance for Hereditary spastic paraplegia 2. Last evaluated: 2021-05-17. Review status: criteria provided, single submitter. Criteria: Invitae Variant Classification Sherloc (09022015). Collection method: clinical testing. Allele origin: germline.
Comment: This sequence change replaces glycine with arginine at codon 246 of the PLP1 protein (p.Gly246Arg). The glycine residue is highly conserved and there is a moderate physicochemical difference between glycine and arginine. This variant is not present in population databases (ExAC no frequency). This variant has been observed in individual(s) with clinical features of Pelizaeus-Merzbacher disease (Invitae). Algorithms developed to predict the effect of missense changes on protein structure and function are either unavailable or do not agree on the potential impact of this missense change (SIFT: "Not Available"; PolyPhen-2: "Probably Damaging"; Align-GVGD: "Not Available"). This variant disrupts the p.Gly246 amino acid residue in PLP1. Other variant(s) that disrupt this residue have been determined to be pathogenic (PMID: 10417279, 24139698, 15712223, 19825935). This suggests that this residue is clinically significant, and that variants that disrupt this residue are likely to be disease-causing. In summary, the available evidence is currently insufficient to determine the role of this variant in disease. Therefore, it has been classified as a Variant of Uncertain Significance.

Literature cited by the submitters: PubMed 10417279 (cited by Labcorp Genetics (formerly Invitae), Labcorp); PubMed 24139698 (cited by Labcorp Genetics (formerly Invitae), Labcorp); PubMed 15712223 (cited by Labcorp Genetics (formerly Invitae), Labcorp); PubMed 19825935 (cited by Labcorp Genetics (formerly Invitae), Labcorp).

NM_000533.5(PLP1):c.736G>A (p.Gly246Arg)

Genes: PLP1 (proteolipid protein 1; plus strand), RAB9B (RAB9B, member RAS oncogene family; minus strand). Cytogenetic location: Xq22.2.
Variant type: single nucleotide variant.
Coding change: c.736G>A on transcript NM_000533.5 (MANE Select); coding-DNA position 736, G replaced by A.
Protein change: p.Gly246Arg; replaces glycine 246 with arginine.
Molecular consequence: missense variant.
Genome position (GRCh38, 1-based): chrX:103,789,372, G>A. VCF-style: chrX-103789372-G-A. GRCh37 (hg19) VCF-style: chrX-103044301-G-A.
Other names: c.736G>A (NM_000533.3); c.736G>A, p.Gly246Arg (NM_001128834.3); c.571G>A, p.Gly191Arg (NM_001305004.1); c.631G>A, p.Gly211Arg (NM_199478.3); short protein forms G191R, G211R, G246R.
Identifiers: ClinVar variation 1505601 (VCV001505601.8), dbSNP rs2147768028, ClinGen allele CA414104638.